The following is an entry in ClinVar:

ClinVar aggregate classification (germline): Uncertain significance. Review status: criteria provided, multiple submitters, no conflicts (2 of 4 stars). 2 submissions from 2 submitters: Uncertain significance (2). Last evaluated 2024-04-02.

Conditions:
Hereditary cancer-predisposing syndrome. Also called: Neoplastic Syndromes, Hereditary; Tumor predisposition; Hereditary Cancer Syndrome; Hereditary neoplastic syndrome. Identifiers: Orphanet 140162, MedGen C0027672, MeSH D009386, MONDO:0015356.
Gastrointestinal stromal tumor. Also called: Gastrointestinal stromal tumor, somatic; Gastrointestinal stroma tumor. Identifiers: Orphanet 44890, MedGen C0238198, MeSH D046152, MONDO:0011719, OMIM 606764, HP:0100723.

Allele frequency attached by ClinVar (database versions not stated): gnomAD exomes below 0.00001.
gnomAD v4.1: 3 of 1,613,806 alleles (0.00019%); highest among the groups gnomAD compares: South Asian, 0.0022%; no homozygotes.

Submissions (2):

Labcorp Genetics (formerly Invitae), Labcorp
Classification: Uncertain significance for Gastrointestinal stromal tumor. Last evaluated: 2024-04-02. Review status: criteria provided, single submitter. Criteria: Invitae Variant Classification Sherloc (09022015). Collection method: clinical testing. Allele origin: germline.
Comment: This sequence change replaces valine, which is neutral and non-polar, with methionine, which is neutral and non-polar, at codon 538 of the PDGFRA protein (p.Val538Met). This variant is not present in population databases (gnomAD no frequency). This variant has not been reported in the literature in individuals affected with PDGFRA-related conditions. Advanced modeling of protein sequence and biophysical properties (such as structural, functional, and spatial information, amino acid conservation, physicochemical variation, residue mobility, and thermodynamic stability) performed at Invitae indicates that this missense variant is not expected to disrupt PDGFRA protein function with a negative predictive value of 80%. In summary, the available evidence is currently insufficient to determine the role of this variant in disease. Therefore, it has been classified as a Variant of Uncertain Significance.

Ambry Genetics
Classification: Uncertain significance for Hereditary cancer-predisposing syndrome. Last evaluated: 2024-02-02. Review status: criteria provided, single submitter. Criteria: Ambry Variant Classification Scheme 2023. Collection method: clinical testing. Allele origin: germline.
Comment: The p.V538M variant (also known as c.1612G>A), located in coding exon 10 of the PDGFRA gene, results from a G to A substitution at nucleotide position 1612. The valine at codon 538 is replaced by methionine, an amino acid with highly similar properties. This amino acid position is conserved. In addition, the in silico prediction for this alteration is inconclusive. Based on the available evidence, the clinical significance of this alteration remains unclear.

NM_006206.6(PDGFRA):c.1612G>A (p.Val538Met)

Gene: PDGFRA (platelet derived growth factor receptor alpha; plus strand). Cytogenetic location: 4q12.
Variant type: single nucleotide variant.
Coding change: c.1612G>A on transcript NM_006206.6 (MANE Select); coding-DNA position 1612, G replaced by A.
Protein change: p.Val538Met; replaces valine 538 with methionine.
Molecular consequence: missense variant.
Genome position (GRCh38, 1-based): chr4:54,274,584, G>A. VCF-style: chr4-54274584-G-A. GRCh37 (hg19) VCF-style: chr4-55140751-G-A.
Other names: c.1612G>A, p.Val538Met (NM_001347827.2, NM_001347829.2); c.1687G>A, p.Val563Met (NM_001347828.2); c.1651G>A, p.Val551Met (NM_001347830.2); short protein forms V538M, V551M, V563M.
Identifiers: ClinVar variation 2744176 (VCV002744176.3), dbSNP rs2110296611, ClinGen allele CA356892921.